The following is an entry in ClinVar:

ClinVar aggregate classification (germline): Uncertain significance. Review status: criteria provided, multiple submitters, no conflicts (2 of 4 stars). 3 submissions from 3 submitters: Uncertain significance (3). Last evaluated 2025-10-27.

Conditions:
Neonatal-onset encephalopathy with rigidity and seizures. Also called: Lethal neonatal spasticity-epileptic encephalopathy syndrome. Identifiers: Orphanet 435845, MedGen C3281029, MONDO:0013784, OMIM 614498.
Inborn genetic diseases. Identifiers: MedGen C0950123, MeSH D030342.

Allele frequency attached by ClinVar (database versions not stated): gnomAD exomes below 0.00001; TOPMed below 0.00001.
gnomAD v4.1: 4 of 1,614,004 alleles (0.00025%); highest among the groups gnomAD compares: Admixed American, 0.0017%; no homozygotes.

Submissions (3):

Ambry Genetics
Classification: Uncertain significance for Inborn genetic diseases. Last evaluated: 2025-10-27. Review status: criteria provided, single submitter. Criteria: Ambry Variant Classification Scheme 2023. Collection method: clinical testing. Allele origin: germline.

GeneDx
Classification: Uncertain significance. Last evaluated: 2024-10-16. Review status: criteria provided, single submitter. Criteria: GeneDx Variant Classification Process June 2021. Collection method: clinical testing. Allele origin: germline. Affected: yes.
Comment: Not observed at significant frequency in large population cohorts (gnomAD); In silico analysis supports that this missense variant has a deleterious effect on protein structure/function; Has not been previously published as pathogenic or benign to our knowledge

Labcorp Genetics (formerly Invitae), Labcorp
Classification: Uncertain significance for Neonatal-onset encephalopathy with rigidity and seizures. Last evaluated: 2021-08-26. Review status: criteria provided, single submitter. Criteria: Invitae Variant Classification Sherloc (09022015). Collection method: clinical testing. Allele origin: germline.
Comment: This sequence change replaces cysteine with serine at codon 13 of the BRAT1 protein (p.Cys13Ser). The cysteine residue is highly conserved and there is a moderate physicochemical difference between cysteine and serine. This variant is not present in population databases (ExAC no frequency). This variant has not been reported in the literature in individuals affected with BRAT1-related conditions. Algorithms developed to predict the effect of missense changes on protein structure and function (SIFT, PolyPhen-2, Align-GVGD) all suggest that this variant is likely to be disruptive. In summary, the available evidence is currently insufficient to determine the role of this variant in disease. Therefore, it has been classified as a Variant of Uncertain Significance.

NM_152743.4(BRAT1):c.38G>C (p.Cys13Ser)

Gene: BRAT1 (BRCA1 associated ATM activator 1; minus strand). Cytogenetic location: 7p22.3.
Variant type: single nucleotide variant.
Coding change: c.38G>C on transcript NM_152743.4 (MANE Select); coding-DNA position 38, G replaced by C.
Protein change: p.Cys13Ser; replaces cysteine 13 with serine.
Molecular consequence: missense variant. On other transcripts: 5 prime UTR variant (1), non-coding transcript variant (1).
Genome position (GRCh38, 1-based): chr7:2,554,394, C>G on the plus strand (G>C on the coding strand, the complement: BRAT1 is on the minus strand). VCF-style: chr7-2554394-C-G. GRCh37 (hg19) VCF-style: chr7-2594028-C-G.
Other names: c.38G>C, p.Cys13Ser (NM_001350626.2); c.-340G>C (NM_001350627.2); c.38G>C (NM_152743.3); short protein forms C13S.
Identifiers: ClinVar variation 1016609 (VCV001016609.8), dbSNP rs1476010977, ClinGen allele CA366633583.
Genomic context (GRCh38, chr7:2,554,394, plus strand): 5'-AGGAGCTTCTCCAAACAGGTGTCATCTGCCACCGGCTGCCTGGGATCTACCAGAACAGCA[C>G]AGAGAGCCGGGAGCAGCTGGGCGCATTCTGGGTCCATGGTGAGGCCGCAGGCCCTGCAAA-3'
Protein context (NP_689956.2, residues 3-23): PECAQLLPAL[Cys13Ser]AVLVDPRQPV